The following is an entry in ClinVar:

ClinVar aggregate classification (germline): Uncertain significance (1 of 4 stars; one submission).

Submission:

Athena Diagnostics
Classification: Uncertain significance. Last evaluated: 2023-12-08. Review status: criteria provided, single submitter. Criteria: Athena Diagnostics Criteria. Collection method: clinical testing. Allele origin: unknown.
Comment: Available data are insufficient to determine the clinical significance of the variant at this time. The frequency of this variant in the general population is uninformative in assessment of its pathogenicity. Computational tools predict that this variant is damaging. Greater than 90% of NOTCH3 pathogenic variants associated with CADASIL involve the gain or loss of a cysteine residue within the epidermal growth factor (EGF)-like repeat domain (PMID: 32457593, 20301673).

NM_000435.3(NOTCH3):c.4735G>T (p.Gly1579Cys)

Gene: NOTCH3 (notch receptor 3; minus strand). Cytogenetic location: 19p13.12.
Variant type: single nucleotide variant.
Coding change: c.4735G>T on transcript NM_000435.3 (MANE Select); coding-DNA position 4735, G replaced by T.
Protein change: p.Gly1579Cys; replaces glycine 1579 with cysteine.
Molecular consequence: missense variant.
Genome position (GRCh38, 1-based): chr19:15,174,069, C>A on the plus strand (G>T on the coding strand, the complement: NOTCH3 is on the minus strand). VCF-style: chr19-15174069-C-A. GRCh37 (hg19) VCF-style: chr19-15284880-C-A.
Other names: short protein forms G1579C.
Identifiers: ClinVar variation 3571911 (VCV003571911.1).
Genomic context (GRCh38, chr19:15,174,069, plus strand): 5'-GATCAACAGCATCTCTCCTCTCCCCAGCCACCACGGCTTTTCCAGGTGGGGTCACTCACC[C>A]GATCACCTCGGGGGCCAGCTCCCGACGGGCCCGGGGTTCGGAGCCAGGACTAGGCCGGTG-3'
Protein context (NP_000426.2, residues 1569-1589): ARRELAPEVI[Gly1579Cys]SVVMLEIDNR